The following is an entry in ClinVar:

ClinVar aggregate classification (germline): Uncertain significance (1 of 4 stars; one submission).

Conditions:
Hereditary cancer-predisposing syndrome. Also called: Neoplastic Syndromes, Hereditary; Hereditary neoplastic syndrome; Tumor predisposition; Hereditary Cancer Syndrome. Identifiers: Orphanet 140162, MedGen C0027672, MeSH D009386, MONDO:0015356.

Submission:

Color Diagnostics, LLC DBA Color Health
Classification: Uncertain significance for Hereditary cancer-predisposing syndrome. Last evaluated: 2025-06-09. Review status: criteria provided, single submitter. Criteria: ACMG Guidelines, 2015. Collection method: clinical testing. Allele origin: germline.
Comment: This missense variant replaces glycine with valine at codon 2503 of the APC protein. Computational prediction suggests that this variant may not impact protein structure and function. To our knowledge, functional studies have not been reported for this variant. This variant has not been reported in individuals affected with APC-related disorders in the literature. This variant has not been identified in the general population by the Genome Aggregation Database (gnomAD). The available evidence is insufficient to determine the role of this variant in disease conclusively. Therefore, this variant is classified as a Variant of Uncertain Significance.

NM_000038.6(APC):c.7508G>T (p.Gly2503Val)

Gene: APC (APC regulator of Wnt signaling pathway; plus strand). Cytogenetic location: 5q22.2.
Variant type: single nucleotide variant.
Coding change: c.7508G>T on transcript NM_000038.6 (MANE Select); coding-DNA position 7508, G replaced by T.
Protein change: p.Gly2503Val; replaces glycine 2503 with valine.
Molecular consequence: missense variant. On other transcripts: non-coding transcript variant (2).
Genome position (GRCh38, 1-based): chr5:112,843,102, G>T. VCF-style: chr5-112843102-G-T. GRCh37 (hg19) VCF-style: chr5-112178799-G-T.
Other names: c.7508G>T, p.Gly2503Val (NM_001127510.3, NM_001354895.2, NM_001407450.1); c.7454G>T, p.Gly2485Val (NM_001127511.3); c.7562G>T, p.Gly2521Val (NM_001354896.2, NM_001407447.1, NM_001407448.1 and 1 more transcripts); c.7538G>T, p.Gly2513Val (NM_001354897.2); c.7433G>T, p.Gly2478Val (NM_001354898.2); c.7424G>T, p.Gly2475Val (NM_001354899.2); c.7385G>T, p.Gly2462Val (NM_001354900.2); c.7331G>T, p.Gly2444Val (NM_001354901.2, NM_001407453.1); and 11 more; short protein forms G2119V, G2220V, G2343V, G2374V, G2377V, G2402V, G2412V, G2420V.
Identifiers: ClinVar variation 4758793 (VCV004758793.1).
Genomic context (GRCh38, chr5:112,843,102, plus strand): 5'-TTTTAAGTCCTTCCCTTCCTGATATGTCTCTATCCACACATTCGTCTGTTCAGGCTGGTG[G>T]ATGGCGAAAACTCCCACCTAATCTCAGTCCCACTATAGAGTATAATGATGGAAGACCAGC-3'
Protein context (NP_000029.2, residues 2493-2513): LSTHSSVQAG[Gly2503Val]WRKLPPNLSP